The following is an entry in ClinVar:

ClinVar aggregate classification (germline): Uncertain significance (1 of 4 stars; one submission).

Submission:

Women's Health and Genetics/Laboratory Corporation of America, LabCorp
Classification: Uncertain significance. Last evaluated: 2025-11-06. Review status: criteria provided, single submitter. Criteria: LabCorp Variant Classification Summary - May 2015. Collection method: clinical testing. Allele origin: germline.
Comment: Variant summary: CNOT1 c.3533C>T (p.Thr1178Ile) results in a non-conservative amino acid change in the encoded protein sequence. Algorithms developed to predict the effect of missense changes on protein structure and function are either unavailable or do not agree on the potential impact of this missense change. The variant was absent in 249518 control chromosomes. The available data on variant occurrences in the general population are insufficient to allow any conclusion about variant significance. To our knowledge, no occurrence of c.3533C>T in individuals affected with CNOT1-related conditions and no experimental evidence demonstrating its impact on protein function have been reported. No submitters have cited clinical-significance assessments for this variant to ClinVar. Based on the evidence outlined above, the variant was classified as uncertain significance.

NM_016284.5(CNOT1):c.3533C>T (p.Thr1178Ile)

Gene: CNOT1 (CCR4-NOT transcription complex subunit 1; minus strand). Cytogenetic location: 16q21.
Variant type: single nucleotide variant.
Coding change: c.3533C>T on transcript NM_016284.5 (MANE Select); coding-DNA position 3533, C replaced by T.
Protein change: p.Thr1178Ile; replaces threonine 1178 with isoleucine.
Molecular consequence: missense variant. On other transcripts: non-coding transcript variant (1).
Genome position (GRCh38, 1-based): chr16:58,547,672, G>A on the plus strand (C>T on the coding strand, the complement: CNOT1 is on the minus strand). VCF-style: chr16-58547672-G-A. GRCh37 (hg19) VCF-style: chr16-58581576-G-A.
Other names: c.3533C>T, p.Thr1178Ile (NM_206999.3); c.3518C>T, p.Thr1173Ile (NM_001265612.2); short protein forms T1173I, T1178I.
Identifiers: ClinVar variation 4537027 (VCV004537027.1).
Genomic context (GRCh38, chr16:58,547,672, plus strand): 5'-CAATGTCCCAAGTTCTTCAGCAAAGAACGATCTGAGAAATTGGCTGCAGCTTTATCAGAG[G>A]TCAGGAGCACCTGAAATAGTGTAAGATTAAGAAAGATATGAGAATAAGCTTATGAAAGAA-3'
Protein context (NP_057368.3, residues 1168-1188): ETYRNIKVLL[Thr1178Ile]SDKAAANFSD